The following is an entry in ClinVar:

ClinVar aggregate classification (germline): Uncertain significance. Review status: criteria provided, multiple submitters, no conflicts (2 of 4 stars). 7 submissions from 7 submitters: Uncertain significance (7). Last evaluated 2025-12-02.

Conditions:
Cardiovascular phenotype. Identifiers: MedGen CN230736.
Hypertrophic cardiomyopathy 4. Also called: Familial hypertrophic cardiomyopathy 4. Identifiers: MedGen C1861862, MONDO:0007268, OMIM 115197.
Left ventricular noncompaction 10 (LVNC10). Identifiers: Orphanet 154, Orphanet 54260, MedGen C3715165, MONDO:0014163, OMIM 615396.
Cardiomyopathy (CMYO). Also called: Cardiomyopathies. Identifiers: Orphanet 167848, MedGen C0878544, MONDO:0004994, HP:0001638. Inheritance: Various modes of inheritance.
Heart failure. Identifiers: MedGen C0018801, MONDO:0005252.
Hypertrophic cardiomyopathy. Also called: HYPERTROPHIC MYOCARDIOPATHY. Identifiers: Orphanet 217569, MedGen C0007194, MeSH D002312, MONDO:0005045, HP:0001639.

Allele frequency attached by ClinVar (database versions not stated): TOPMed 0.00003.
gnomAD v4.1: 36 of 1,612,578 alleles (0.0022%); highest among the groups gnomAD compares: South Asian, 0.0044%; no homozygotes.

Submissions (7):

Labcorp Genetics (formerly Invitae), Labcorp
Classification: Uncertain significance for Hypertrophic cardiomyopathy. Last evaluated: 2025-12-02. Review status: criteria provided, single submitter. Criteria: Invitae Variant Classification Sherloc (09022015). Collection method: clinical testing. Allele origin: germline.
Comment: This sequence change replaces arginine, which is basic and polar, with tryptophan, which is neutral and slightly polar, at codon 574 of the MYBPC3 protein (p.Arg574Trp). This variant is present in population databases (rs61897383, gnomAD 0.08%), and has an allele count higher than expected for a pathogenic variant. This missense change has been observed in individual(s) with hypertrophic cardiomyopathy (PMID: 27532257, 33782553, 36166435, 37652022). ClinVar contains an entry for this variant (Variation ID: 180947). An algorithm developed to predict the effect of missense changes on protein structure and function (PolyPhen-2) suggests that this variant is likely to be disruptive. In summary, the available evidence is currently insufficient to determine the role of this variant in disease. Therefore, it has been classified as a Variant of Uncertain Significance.

Clinical Genetics Laboratory, Skane University Hospital Lund
Classification: Uncertain significance for Heart failure. Last evaluated: 2025-07-22. Review status: criteria provided, single submitter. Criteria: ACMG Guidelines, 2015. Collection method: clinical testing. Allele origin: germline. Affected: yes.

Ambry Genetics
Classification: Uncertain significance for Cardiovascular phenotype. Last evaluated: 2025-05-19. Review status: criteria provided, single submitter. Criteria: Ambry Variant Classification Scheme 2023. Collection method: clinical testing. Allele origin: germline.
Comment: The p.R574W variant (also known as c.1720C>T), located in coding exon 18 of the MYBPC3 gene, results from a C to T substitution at nucleotide position 1720. The arginine at codon 574 is replaced by tryptophan, an amino acid with dissimilar properties. This variant has been detected in hypertrophic cardiomyopathy (HCM) clinical cohorts or cohorts referred for HCM genetic testing; however, details were limited (Walsh R et al, Genet Med. 2017 02;19:192-203; Ho CY et al. Circulation. 2018 Oct;138(14):1387-1398; Mazzarotto F et al, Genet Med. 2019 02;21:284-292; Trachoo O et al. PLoS One. 2022 Sep;17(9):e0267770). This amino acid position is not well conserved in available vertebrate species. In addition, this alteration is predicted to be tolerated by in silico analysis. Since supporting evidence is limited at this time, the clinical significance of this alteration remains unclear.

Color Diagnostics, LLC DBA Color Health
Classification: Uncertain significance for Cardiomyopathy. Last evaluated: 2024-07-03. Review status: criteria provided, single submitter. Criteria: ACMG Guidelines, 2015. Collection method: clinical testing. Allele origin: germline.
Comment: This missense variant replaces arginine with tryptophan at codon 574 of the MYBPC3 protein. Computational prediction tools indicate that this variant has a neutral impact on protein structure and function. To our knowledge, functional studies have not been reported for this variant. This variant has been reported in individuals affected with hypertrophic cardiomyopathy (PMID: 27532257, 36166435). This variant has been identified in 13/246750 chromosomes in the general population by the Genome Aggregation Database (gnomAD). The available evidence is insufficient to determine the role of this variant in disease conclusively. Therefore, this variant is classified as a Variant of Uncertain Significance.

All of Us Research Program, National Institutes of Health
Classification: Uncertain significance for Hypertrophic cardiomyopathy. Last evaluated: 2023-11-30. Review status: criteria provided, single submitter. Criteria: ACMG Guidelines, 2015. Collection method: clinical testing. Allele origin: germline. Inheritance: Autosomal dominant inheritance. Observed: 8 variant alleles, 8 heterozygotes.
Comment: This missense variant replaces arginine with tryptophan at codon 574 of the MYBPC3 protein. Computational prediction suggests that this variant may not impact protein structure and function (internally defined REVEL score threshold <= 0.5, PMID: 27666373). To our knowledge, functional studies have not been reported for this variant. This variant has been reported in individuals affected with hypertrophic cardiomyopathy (PMID: 27532257, 36166435). This variant has been identified in 13/246750 chromosomes in the general population by the Genome Aggregation Database (gnomAD). The available evidence is insufficient to determine the role of this variant in disease conclusively. Therefore, this variant is classified as a Variant of Uncertain Significance.

This study involves interpretation of variants in research participants for the purpose of population health screening. Participant phenotype was not available at the time of variant classification. Additional details can be found in publication PMID: 35346344, PMCID: PMC8962531

GeneDx
Classification: Uncertain significance. Last evaluated: 2022-01-07. Review status: criteria provided, single submitter. Criteria: GeneDx Variant Classification Process June 2021. Collection method: clinical testing. Allele origin: germline. Affected: yes.
Comment: In silico analysis supports that this missense variant has a deleterious effect on protein structure/function; In silico analysis, which includes splice predictors and evolutionary conservation, suggests this variant may impact gene splicing. In the absence of RNA/functional studies, the actual effect of this sequence change is unknown.; Observed in patients with hypertrophic cardiomyopathy in the published literature (Walsh et al., 2017), however, additional clinical information was not provided; This variant is associated with the following publications: (PMID: 33782553, 27532257)

Fulgent Genetics
Classification: Uncertain significance for Hypertrophic cardiomyopathy 4; Left ventricular noncompaction 10. Last evaluated: 2021-11-12. Review status: criteria provided, single submitter. Criteria: ACMG Guidelines, 2015. Collection method: clinical testing. Allele origin: unknown.

Literature cited by the submitters: PubMed 27532257 (cited by 4 submitters); PubMed 33782553 (cited by Labcorp Genetics (formerly Invitae), Labcorp); PubMed 36166435 (cited by 4 submitters); PubMed 37652022 (cited by Labcorp Genetics (formerly Invitae), Labcorp); PubMed 29875424 (cited by Ambry Genetics); PubMed 30297972 (cited by Ambry Genetics).

NM_000256.3(MYBPC3):c.1720C>T (p.Arg574Trp)

Gene: MYBPC3 (myosin binding protein C3; minus strand). Cytogenetic location: 11p11.2.
Variant type: single nucleotide variant.
Coding change: c.1720C>T on transcript NM_000256.3 (MANE Select); coding-DNA position 1720, C replaced by T.
Protein change: p.Arg574Trp; replaces arginine 574 with tryptophan.
Molecular consequence: missense variant.
Genome position (GRCh38, 1-based): chr11:47,342,061, G>A on the plus strand (C>T on the coding strand, the complement: MYBPC3 is on the minus strand). VCF-style: chr11-47342061-G-A. GRCh37 (hg19) VCF-style: chr11-47363612-G-A.
Other names: p.R574W:CGG>TGG; c.1720C>T, p.Arg574Trp (LRG_386t1); short protein forms R574W.
Identifiers: ClinVar variation 180947 (VCV000180947.21), dbSNP rs61897383, ClinGen allele CA010995.